The following is an entry in ClinVar:

ClinVar aggregate classification (germline): Uncertain significance. Review status: criteria provided, multiple submitters, no conflicts (2 of 4 stars). 2 submissions from 2 submitters: Uncertain significance (2). Last evaluated 2024-11-23.

Conditions:
Aicardi-Goutieres syndrome 2. Identifiers: Orphanet 51, MedGen C3489724, MONDO:0012429, OMIM 610181.

Allele frequency attached by ClinVar (database versions not stated): gnomAD 0.00003; TOPMed 0.00006.
gnomAD v4.1: 39 of 1,613,714 alleles (0.0024%); highest among the groups gnomAD compares: East Asian, 0.076%; no homozygotes.

Submissions (2):

Labcorp Genetics (formerly Invitae), Labcorp
Classification: Uncertain significance for Aicardi-Goutieres syndrome 2. Last evaluated: 2024-11-23. Review status: criteria provided, single submitter. Criteria: Invitae Variant Classification Sherloc (09022015). Collection method: clinical testing. Allele origin: germline.
Comment: This sequence change replaces proline, which is neutral and non-polar, with leucine, which is neutral and non-polar, at codon 90 of the RNASEH2B protein (p.Pro90Leu). This variant is present in population databases (rs770203126, gnomAD 0.2%). This missense change has been observed in individual(s) with Aicardi-Gouti√®res syndrome (PMID: 33482855). ClinVar contains an entry for this variant (Variation ID: 540249). Invitae Evidence Modeling of protein sequence and biophysical properties (such as structural, functional, and spatial information, amino acid conservation, physicochemical variation, residue mobility, and thermodynamic stability) has been performed for this missense variant. However, the output from this modeling did not meet the statistical confidence thresholds required to predict the impact of this variant on RNASEH2B protein function. In summary, the available evidence is currently insufficient to determine the role of this variant in disease. Therefore, it has been classified as a Variant of Uncertain Significance.

Blueprint Genetics
Classification: Uncertain significance. Last evaluated: 2023-12-14. Review status: criteria provided, single submitter. Criteria: ACMG Guidelines, 2015. Collection method: clinical testing. Allele origin: germline.

Literature cited by the submitters: PubMed 33482855 (cited by Labcorp Genetics (formerly Invitae), Labcorp).

NM_024570.4(RNASEH2B):c.269C>T (p.Pro90Leu)

Gene: RNASEH2B (ribonuclease H2 subunit B; plus strand). Cytogenetic location: 13q14.3.
Variant type: single nucleotide variant.
Coding change: c.269C>T on transcript NM_024570.4 (MANE Select); coding-DNA position 269, C replaced by T.
Protein change: p.Pro90Leu; replaces proline 90 with leucine.
Molecular consequence: missense variant.
Genome position (GRCh38, 1-based): chr13:50,930,707, C>T. VCF-style: chr13-50930707-C-T. GRCh37 (hg19) VCF-style: chr13-51504843-C-T.
Other names: c.269C>T, p.Pro90Leu (NM_001142279.2); short protein forms P90L.
Identifiers: ClinVar variation 540249 (VCV000540249.7), dbSNP rs770203126, ClinGen allele CA6985519.